The following is an entry in ClinVar:

NM_001048174.2(MUTYH):c.1250C>A (p.Thr417Asn)

Gene: MUTYH (mutY DNA glycosylase; minus strand). Cytogenetic location: 1p34.1.
Variant type: single nucleotide variant.
Coding change: c.1250C>A on transcript NM_001048174.2 (MANE Select); coding-DNA position 1250, C replaced by A.
Protein change: p.Thr417Asn; replaces threonine 417 with asparagine.
Molecular consequence: missense variant. On other transcripts: non-coding transcript variant (7).
Genome position (GRCh38, 1-based): chr1:45,331,324, G>T on the plus strand (C>A on the coding strand, the complement: MUTYH is on the minus strand). VCF-style: chr1-45331324-G-T. GRCh37 (hg19) VCF-style: chr1-45796996-G-T.
Other names: c.1250C>A, p.Thr417Asn (NM_001048171.2, NM_001048173.2, NM_001407070.1 and 6 more transcripts); c.1253C>A, p.Thr418Asn (NM_001048172.2, NM_001407071.1, NM_001407078.1 and 1 more transcripts); c.1166C>A, p.Thr389Asn (NM_001407075.1); c.1283C>A, p.Thr428Asn (NM_001407077.1, NM_001293191.2, NM_001407069.1); c.1211C>A, p.Thr404Asn (NM_001407079.1); c.1208C>A, p.Thr403Asn (NM_001407080.1); c.1334C>A, p.Thr445Asn (NM_001128425.2); c.1295C>A, p.Thr432Asn (NM_001293190.2); and 5 more; short protein forms T302N, T404N, T442N, T325N, T389N, T403N, T424N, T445N.
Identifiers: ClinVar variation 4113184 (VCV004113184.1).

ClinVar aggregate classification (germline): Uncertain significance (1 of 4 stars; one submission).

Conditions:
Hereditary cancer-predisposing syndrome. Also called: Tumor predisposition; Neoplastic Syndromes, Hereditary; Hereditary neoplastic syndrome; Hereditary Cancer Syndrome. Identifiers: Orphanet 140162, MedGen C0027672, MeSH D009386, MONDO:0015356.

Submission:

Ambry Genetics
Classification: Uncertain significance for Hereditary cancer-predisposing syndrome. Last evaluated: 2025-08-27. Review status: criteria provided, single submitter. Criteria: Ambry Variant Classification Scheme 2023. Collection method: clinical testing. Allele origin: germline.
Comment: The p.T445N variant (also known as c.1334C>A), located in coding exon 14 of the MUTYH gene, results from a C to A substitution at nucleotide position 1334. The threonine at codon 445 is replaced by asparagine, an amino acid with similar properties. This amino acid position is conserved. In addition, this alteration is predicted to be tolerated by in silico analysis. Based on the available evidence, the clinical significance of this variant remains unclear.